The following is an entry in ClinVar:

NM_004484.4(GPC3):c.889A>G (p.Arg297Gly)

Gene: GPC3 (glypican 3; minus strand). Cytogenetic location: Xq26.2.
Variant type: single nucleotide variant.
Coding change: c.889A>G on transcript NM_004484.4 (MANE Select); coding-DNA position 889, A replaced by G.
Protein change: p.Arg297Gly; replaces arginine 297 with glycine.
Molecular consequence: missense variant.
Genome position (GRCh38, 1-based): chrX:133,753,625, T>C on the plus strand (A>G on the coding strand, the complement: GPC3 is on the minus strand). VCF-style: chrX-133753625-T-C. GRCh37 (hg19) VCF-style: chrX-132887652-T-C.
Other names: c.889A>G, p.Arg297Gly (NM_001164617.2); c.841A>G, p.Arg281Gly (NM_001164618.2); c.727A>G, p.Arg243Gly (NM_001164619.2); short protein forms R297G, R281G, R243G.
Identifiers: ClinVar variation 415278 (VCV000415278.42), dbSNP rs148951753, ClinGen allele CA10520783.

ClinVar aggregate classification (germline): Benign/Likely benign. Review status: criteria provided, multiple submitters, no conflicts (2 of 4 stars). 7 submissions from 7 submitters: Benign (1); Likely benign (4). 2 of the submissions do not count toward it. Last evaluated 2026-01-05.

Conditions:
Wilms tumor 1 (WT1). Also called: Wilms tumor, somatic. Identifiers: Orphanet 654, MedGen CN033288, MONDO:0008679, OMIM 194070.

Allele frequency attached by ClinVar (database versions not stated): TOPMed 0.00016; ESP Exome Variant Server 0.00019; gnomAD 0.00019; 1000 Genomes Project 30x 0.00021; gnomAD exomes 0.00021 and 0.00028; 1000 Genomes Project 0.00026; ExAC 0.00035.
gnomAD v4.1: 322 of 1,209,352 alleles (0.027%); highest among the groups gnomAD compares: Non-Finnish European, 0.034%; no homozygotes.

Submissions (7):

Labcorp Genetics (formerly Invitae), Labcorp
Classification: Benign for Wilms tumor 1. Last evaluated: 2026-01-05. Review status: criteria provided, single submitter. Criteria: Invitae Variant Classification Sherloc (09022015). Collection method: clinical testing. Allele origin: germline.

Women's Health and Genetics/Laboratory Corporation of America, LabCorp
Classification: Likely benign. Last evaluated: 2025-12-23. Review status: criteria provided, single submitter. Criteria: LabCorp Variant Classification Summary - May 2015. Collection method: clinical testing. Allele origin: germline.
Comment: Variant summary: GPC3 c.889A>G (p.Arg297Gly) results in a non-conservative amino acid change in the encoded protein sequence. Algorithms developed to predict the effect of missense changes on protein structure and function are either unavailable or do not agree on the potential impact of this missense change. The variant allele was found at a frequency of 0.00021 in 183321 control chromosomes, including 9 hemizygotes, suggesting that the variant is unlikely to be associated with disease. To our knowledge, no occurrence of c.889A>G in individuals affected with GPC3-related conditions and no experimental evidence demonstrating its impact on protein function have been reported. ClinVar contains an entry for this variant (Variation ID: 415278). Based on the evidence outlined above, the variant was classified as likely benign.

CeGaT Center for Human Genetics Tuebingen
Classification: Likely benign. Last evaluated: 2023-08-01. Review status: criteria provided, single submitter. Criteria: CeGaT Center For Human Genetics Tuebingen Variant Classification Criteria Version 2. Collection method: clinical testing. Allele origin: germline. Affected: yes. Observed: 1 variant allele.
Comment: GPC3: BP4, BS2

Blueprint Genetics
Classification: Likely benign. Last evaluated: 2023-05-31. Review status: criteria provided, single submitter. Criteria: ACMG Guidelines, 2015. Collection method: clinical testing. Allele origin: germline.

GeneDx
Classification: Likely benign. Last evaluated: 2021-02-02. Review status: criteria provided, single submitter. Criteria: GeneDx Variant Classification Process June 2021. Collection method: clinical testing. Allele origin: germline. Affected: yes.

Clinical Genetics DNA and cytogenetics Diagnostics Lab, Erasmus MC, Erasmus Medical Center
Classification: Likely benign. Review status: no assertion criteria provided. Collection method: clinical testing. Allele origin: germline. Affected: yes. Study: VKGL Data-share Consensus. Not counted in ClinVar's aggregate classification.

Genome Diagnostics Laboratory, University Medical Center Utrecht
Classification: Likely benign. Review status: no assertion criteria provided. Collection method: clinical testing. Allele origin: germline. Affected: yes. Study: VKGL Data-share Consensus. Not counted in ClinVar's aggregate classification.